The following is an entry in ClinVar:

NM_000209.4(PDX1):c.723G>A (p.Pro241=)

Gene: PDX1 (pancreatic and duodenal homeobox 1; plus strand). Cytogenetic location: 13q12.2.
Variant type: single nucleotide variant.
Coding change: c.723G>A on transcript NM_000209.4 (MANE Select); coding-DNA position 723, G replaced by A.
Protein change: p.Pro241=; no amino-acid change (proline 241 retained).
Molecular consequence: synonymous variant.
Genome position (GRCh38, 1-based): chr13:27,924,572, G>A. VCF-style: chr13-27924572-G-A. GRCh37 (hg19) VCF-style: chr13-28498709-G-A.
Other names: c.723G>A (NM_000209.3).
Identifiers: ClinVar variation 2188934 (VCV002188934.5), dbSNP rs754818945, ClinGen allele CA6927716.

ClinVar aggregate classification (germline): Likely benign. Review status: criteria provided, multiple submitters, no conflicts (2 of 4 stars). 2 submissions from 2 submitters: Likely benign (2). Last evaluated 2026-01-22.

Conditions:
PDX1-related disorder. Also called: PDX1-related disorders; PDX1-related condition.

Allele frequency attached by ClinVar (database versions not stated): gnomAD 0.00005; 1000 Genomes Project 30x 0.00016.

Submissions (2):

Labcorp Genetics (formerly Invitae), Labcorp
Classification: Likely benign. Last evaluated: 2026-01-22. Review status: criteria provided, single submitter. Criteria: Invitae Variant Classification Sherloc (09022015). Collection method: clinical testing. Allele origin: germline.

PreventionGenetics, part of Exact Sciences
Classification: Likely benign for PDX1-related condition. Last evaluated: 2026-01-21. Review status: criteria provided, single submitter. Criteria: ACMG Guidelines, 2015. Collection method: clinical testing. Allele origin: germline.
Comment: This variant is classified as likely benign based on ACMG/AMP sequence variant interpretation guidelines (Richards et al. 2015 PMID: 25741868, with internal and published modifications).